The following is an entry in ClinVar:

NM_004415.4(DSP):c.5961C>G (p.Asp1987Glu)

Gene: DSP (desmoplakin; plus strand). Cytogenetic location: 6p24.3.
Variant type: single nucleotide variant.
Coding change: c.5961C>G on transcript NM_004415.4 (MANE Select); coding-DNA position 5961, C replaced by G.
Protein change: p.Asp1987Glu; replaces aspartic acid 1987 with glutamic acid.
Molecular consequence: missense variant.
Genome position (GRCh38, 1-based): chr6:7,583,223, C>G. VCF-style: chr6-7583223-C-G. GRCh37 (hg19) VCF-style: chr6-7583456-C-G.
Other names: c.4164C>G, p.Asp1388Glu (NM_001008844.3); c.4632C>G, p.Asp1544Glu (NM_001319034.2); short protein forms D1388E, D1544E, D1987E.
Identifiers: ClinVar variation 3072811 (VCV003072811.1), dbSNP rs2533938452, ClinGen allele CA362689791.
Genomic context (GRCh38, chr6:7,583,223, plus strand): 5'-GTTTGATGGGCTGAGGAAGAAGGTGACAGCAATGCAGCTCTATGAGTGTCAGCTGATCGA[C>G]AAAACAACCTTGGACAAACTATTGAAGGGGAAGAAGTCAGTGGAAGAAGTTGCTTCTGAA-3'
Protein context (NP_004406.2, residues 1977-1997): AMQLYECQLI[Asp1987Glu]KTTLDKLLKG

ClinVar aggregate classification (germline): Uncertain significance (1 of 4 stars; one submission).

Conditions:
Arrhythmogenic cardiomyopathy with wooly hair and keratoderma. Also called: PALMOPLANTAR KERATODERMA WITH LEFT VENTRICULAR CARDIOMYOPATHY AND WOOLLY HAIR; Carvajal syndrome; Dilated cardiomyopathy with woolly hair and keratoderma; Arrhythmogenic cardiomyopathy with woolly hair and keratoderma. Identifiers: Orphanet 65282, MedGen C1854063, MONDO:0011581, OMIM 605676.

Submission:

All of Us Research Program, National Institutes of Health
Classification: Uncertain significance for Arrhythmogenic cardiomyopathy with wooly hair and keratoderma. Last evaluated: 2023-08-15. Review status: criteria provided, single submitter. Criteria: ACMG Guidelines, 2015. Collection method: clinical testing. Allele origin: germline. Inheritance: Autosomal dominant inheritance. Observed: 1 variant allele, 1 heterozygote.
Comment: This study involves interpretation of variants in research participants for the purpose of population health screening. Participant phenotype was not available at the time of variant classification. Additional details can be found in publication PMID: 35346344, PMCID: PMC8962531